The following is an entry in ClinVar:

ClinVar aggregate classification (germline): Uncertain significance. Review status: criteria provided, multiple submitters, no conflicts (2 of 4 stars). 3 submissions from 3 submitters: Uncertain significance (3). Last evaluated 2026-06-30.

Conditions:
SETX-related disorder. Also called: SETX-related disorders; SETX-related condition. Identifiers: MedGen CN239403.

gnomAD v4.1: 11 of 1,614,116 alleles (0.00068%); highest among the groups gnomAD compares: Middle Eastern, 0.016%; no homozygotes.

Submissions (3):

PreventionGenetics, part of Exact Sciences
Classification: Uncertain significance for SETX-related condition. Last evaluated: 2026-06-30. Review status: criteria provided, single submitter. Criteria: ACMG Guidelines, 2015. Collection method: clinical testing. Allele origin: germline.
Comment: The SETX c.3878C>T variant is predicted to result in the amino acid substitution p.Pro1293Leu. To our knowledge, this variant has not been reported in the literature. This variant is reported in 0.0026% of alleles in individuals of European (non-Finnish) descent in gnomAD. At this time, the clinical significance of this variant is uncertain due to the absence of conclusive functional and genetic evidence.

GeneDx
Classification: Uncertain significance. Last evaluated: 2025-07-05. Review status: criteria provided, single submitter. Criteria: GeneDx Variant Classification Process June 2021. Collection method: clinical testing. Allele origin: germline. Affected: yes.
Comment: Not observed at significant frequency in large population cohorts (gnomAD); In silico analysis supports that this missense variant has a deleterious effect on protein structure/function; Has not been previously published as pathogenic or benign to our knowledge

Revvity Omics, Revvity
Classification: Uncertain significance. Last evaluated: 2024-06-05. Review status: criteria provided, single submitter. Criteria: ACMG Guidelines, 2015. Collection method: clinical testing. Allele origin: germline.

NM_015046.7(SETX):c.3878C>T (p.Pro1293Leu)

Gene: SETX (senataxin; minus strand). Cytogenetic location: 9q34.13.
Variant type: single nucleotide variant.
Coding change: c.3878C>T on transcript NM_015046.7 (MANE Select); coding-DNA position 3878, C replaced by T.
Protein change: p.Pro1293Leu; replaces proline 1293 with leucine.
Molecular consequence: missense variant.
Genome position (GRCh38, 1-based): chr9:132,327,720, G>A on the plus strand (C>T on the coding strand, the complement: SETX is on the minus strand). VCF-style: chr9-132327720-G-A. GRCh37 (hg19) VCF-style: chr9-135203107-G-A.
Other names: c.3878C>T, p.Pro1293Leu (NM_001351527.2, NM_001351528.2); short protein forms P1293L.
Identifiers: ClinVar variation 3345901 (VCV003345901.4).
Genomic context (GRCh38, chr9:132,327,720, plus strand): 5'-TGATCACGTAATTGAGCTACATAATCCAAAGACCGCTGGGACAACTCATATGCCTTACGA[G>A]GACCCTTTTTCAGGCCAAGTTTCTCAGCTGTTGAAGTTGGCTCAGGACACTGACGAAATT-3'
Protein context (NP_055861.3, residues 1283-1303): TAEKLGLKKG[Pro1293Leu]RKAYELSQRS